The following is an entry in ClinVar:

ClinVar aggregate classification (germline): Uncertain significance (1 of 4 stars; one submission).

gnomAD v4.1: 21 of 1,613,686 alleles (0.0013%); highest among the groups gnomAD compares: Non-Finnish European, 0.0017%; no homozygotes.

Submission:

Labcorp Genetics (formerly Invitae), Labcorp
Classification: Uncertain significance. Last evaluated: 2024-06-04. Review status: criteria provided, single submitter. Criteria: Invitae Variant Classification Sherloc (09022015). Collection method: clinical testing. Allele origin: germline.
Comment: This sequence change replaces leucine, which is neutral and non-polar, with isoleucine, which is neutral and non-polar, at codon 249 of the MS4A1 protein (p.Leu249Ile). This variant is present in population databases (no rsID available, gnomAD 0.004%). This variant has not been reported in the literature in individuals affected with MS4A1-related conditions. An algorithm developed to predict the effect of missense changes on protein structure and function (PolyPhen-2) suggests that this variant is likely to be disruptive. In summary, the available evidence is currently insufficient to determine the role of this variant in disease. Therefore, it has been classified as a Variant of Uncertain Significance.

NM_152866.3(MS4A1):c.745C>A (p.Leu249Ile)

Gene: MS4A1 (membrane spanning 4-domains A1; plus strand). Cytogenetic location: 11q12.2.
Variant type: single nucleotide variant.
Coding change: c.745C>A on transcript NM_152866.3 (MANE Select); coding-DNA position 745, C replaced by A.
Protein change: p.Leu249Ile; replaces leucine 249 with isoleucine.
Molecular consequence: missense variant.
Genome position (GRCh38, 1-based): chr11:60,468,319, C>A. VCF-style: chr11-60468319-C-A. GRCh37 (hg19) VCF-style: chr11-60235792-C-A.
Other names: c.745C>A, p.Leu249Ile (NM_021950.4, NM_152867.2); short protein forms L249I.
Identifiers: ClinVar variation 3605827 (VCV003605827.2).